The following is an entry in ClinVar:

ClinVar aggregate classification (germline): Conflicting classifications of pathogenicity. Review status: criteria provided, conflicting classifications (1 of 4 stars). 2 submissions from 2 submitters: Uncertain significance (1); Likely benign (1). Last evaluated 2026-02-03.

Conditions:
Gastrointestinal stromal tumor. Also called: Gastrointestinal stromal tumor, somatic; Gastrointestinal stroma tumor. Identifiers: Orphanet 44890, MedGen C0238198, MeSH D046152, MONDO:0011719, OMIM 606764, HP:0100723.
Hereditary cancer-predisposing syndrome. Also called: Neoplastic Syndromes, Hereditary; Tumor predisposition; Hereditary Cancer Syndrome; Hereditary neoplastic syndrome. Identifiers: Orphanet 140162, MedGen C0027672, MeSH D009386, MONDO:0015356.

Allele frequency attached by ClinVar (database versions not stated): gnomAD exomes below 0.00001.
gnomAD v4.1: 1 of 1,614,166 alleles (0.000062%); highest among the groups gnomAD compares: East Asian, 0.0022%; no homozygotes.

Submissions (2):

Ambry Genetics
Classification: Likely benign for Hereditary cancer-predisposing syndrome. Last evaluated: 2026-02-03. Review status: criteria provided, single submitter. Criteria: Ambry Variant Classification Scheme 2023. Collection method: clinical testing. Allele origin: germline.

Labcorp Genetics (formerly Invitae), Labcorp
Classification: Uncertain significance for Gastrointestinal stromal tumor. Last evaluated: 2023-10-17. Review status: criteria provided, single submitter. Criteria: Invitae Variant Classification Sherloc (09022015). Collection method: clinical testing. Allele origin: germline.
Comment: This sequence change replaces serine, which is neutral and polar, with proline, which is neutral and non-polar, at codon 465 of the KIT protein (p.Ser465Pro). This variant is not present in population databases (gnomAD no frequency). This variant has not been reported in the literature in individuals affected with KIT-related conditions. An algorithm developed to predict the effect of missense changes on protein structure and function (PolyPhen-2) suggests that this variant is likely to be tolerated. In summary, the available evidence is currently insufficient to determine the role of this variant in disease. Therefore, it has been classified as a Variant of Uncertain Significance.

NM_000222.3(KIT):c.1393T>C (p.Ser465Pro)

Gene: KIT (KIT proto-oncogene, receptor tyrosine kinase; plus strand). Cytogenetic location: 4q12.
Variant type: single nucleotide variant.
Coding change: c.1393T>C on transcript NM_000222.3 (MANE Select); coding-DNA position 1393, T replaced by C.
Protein change: p.Ser465Pro; replaces serine 465 with proline.
Molecular consequence: missense variant.
Genome position (GRCh38, 1-based): chr4:54,725,903, T>C. VCF-style: chr4-54725903-T-C. GRCh37 (hg19) VCF-style: chr4-55592069-T-C.
Other names: c.1393T>C, p.Ser465Pro (NM_001093772.2, NM_001385285.1, NM_001385286.1); c.1396T>C, p.Ser466Pro (NM_001385284.1, NM_001385288.1, NM_001385290.1 and 1 more transcripts); short protein forms S466P, S465P.
Identifiers: ClinVar variation 2769232 (VCV002769232.4), dbSNP rs2109768485, ClinGen allele CA356906303.